The following is an entry in ClinVar:

NM_000059.4(BRCA2):c.6816_6841+1534del

Gene: BRCA2 (BRCA2 DNA repair associated; plus strand). Cytogenetic location: 13q13.1.
Variant type: Deletion.
Coding change: c.6816_6841+1534del on transcript NM_000059.4 (MANE Select); coding-DNA position 6816 through 1534 bases into the intron after coding-DNA position 6841, 1,560 bases deleted.
Molecular consequence: splice donor variant.
Genome position (GRCh38, 1-based): chr13:32,341,171-32,342,730, 1,560 bases deleted. GRCh37 (hg19): chr13:32,915,308-32,916,867.
Identifiers: ClinVar variation 1755591 (VCV001755591.3), ClinGen allele CA2580088059.

ClinVar aggregate classification (germline): Uncertain significance (1 of 4 stars; one submission).

Conditions:
Hereditary cancer-predisposing syndrome. Also called: Neoplastic Syndromes, Hereditary; Tumor predisposition; Hereditary Cancer Syndrome; Hereditary neoplastic syndrome. Identifiers: Orphanet 140162, MedGen C0027672, MeSH D009386, MONDO:0015356.

Submission:

Ambry Genetics
Classification: Uncertain significance for Hereditary cancer-predisposing syndrome. Last evaluated: 2023-08-03. Review status: criteria provided, single submitter. Criteria: Ambry Variant Classification Scheme 2023. Collection method: clinical testing. Allele origin: germline.
Comment: ONLY INCLUDE IF PT HAS BOTH c.6816_6841+1534del1560 and c.6762delT) BRCA2 VARIANTS The c.6762delT alteration (also known as p.F2254Lfs*26), located in coding exon 10 of the BRCA2 gene, results from a deletion of the T nucleotide at position 6762. This alteration would be expected to cause a translational frameshift with a predicted alternate stop codon (p.F2254Lfs*26). The c.6816_6841+1534del1560 variant results from a deletion of 1560 nucleotides between positions c.6816 and c.6841+1534 and involves the canonical splice donor site after coding exon 10 of the BRCA2 gene. Alterations that disrupt the canonical splice site are expected to cause aberrant splicing, resulting in an abnormal protein or a transcript that is subject to nonsense-mediated mRNA decay. In silico splice site analysis predicts that these alterations will weaken the native splice acceptor site and may result in the creation or strengthening of a novel splice acceptor site. RNA studies have demonstrated that when c.6762delT is observed in cis with c.6816_6841+1534del156, this haplotype results in an in-frame transcript; however, the exact functional impact of the observed transcript is unknown at this time (Ambry internal data). Since supporting evidence is limited at this time, the clinical significance of [c.6762delT;c.6816_6841+1534del1560] remains unclear.